The following is an entry in ClinVar:

ClinVar aggregate classification (germline): Pathogenic/Likely pathogenic. Review status: criteria provided, multiple submitters, no conflicts (2 of 4 stars). 3 submissions from 3 submitters: Pathogenic (1); Likely pathogenic (1). 1 of the submissions does not count toward it. Last evaluated 2026-05-22.

Conditions:
FG syndrome 1 (OKS). Also called: FG Syndrome Type 1 (FGS1); KELLER SYNDROME; MENTAL RETARDATION, LARGE HEAD, IMPERFORATE ANUS, CONGENITAL HYPOTONIA, AND PARTIAL AGENESIS OF CORPUS CALLOSUM; OPITZ-KAVEGGIA SYNDROME. Identifiers: Orphanet 93932, MedGen C5399762, MONDO:0010590, OMIM 305450.

Submissions (3):

GeneDx
Classification: Pathogenic. Last evaluated: 2026-05-22. Review status: criteria provided, single submitter. Criteria: GeneDx Variant Classification Process June 2021. Collection method: clinical testing. Allele origin: germline.
Comment: Not observed at significant frequency in large population cohorts (gnomAD); In silico analysis supports that this missense variant has a deleterious effect on protein structure/function; In silico analysis suggests this variant may impact gene splicing. In the absence of RNA/functional studies, the actual effect of this sequence change is unknown.; This variant is associated with the following publications: (PMID: 27286923, 36271811, 36427307)

Department of Medical Genetics, Oslo University Hospital
Classification: Likely pathogenic for FG syndrome 1. Last evaluated: 2016-04-15. Review status: criteria provided, single submitter. Criteria: ACMG Guidelines, 2015. Collection method: clinical testing. Allele origin: maternal. Inheritance: X-linked inheritance. Affected: yes. Observed: 1 variant allele, 1 hemizygote.
Comment: The variant predicts the amino acid substitution p.Arg621Gln. The Arg621 is conserved across species from human to xenopus as well as in the paralog MED12L. The variant has not been reported in ExAc (Oct2015).

GeneReviews
No classification provided. Condition: FG syndrome. Review status: no classification provided. Collection method: literature only. Allele origin: germline. Not counted in ClinVar's aggregate classification.
Comment: Reported in male sibs with nonspecific intellectual disability

Literature cited by the submitters: PubMed 27286923 (cited by GeneReviews); PubMed 20301719 (cited by GeneReviews).

NM_005120.3(MED12):c.1862G>A (p.Arg621Gln)

Gene: MED12 (mediator complex subunit 12; plus strand). Cytogenetic location: Xq13.1.
Variant type: single nucleotide variant.
Coding change: c.1862G>A on transcript NM_005120.3 (MANE Select); coding-DNA position 1862, G replaced by A.
Protein change: p.Arg621Gln; replaces arginine 621 with glutamine.
Molecular consequence: missense variant.
Genome position (GRCh38, 1-based): chrX:71,124,276, G>A. VCF-style: chrX-71124276-G-A. GRCh37 (hg19) VCF-style: chrX-70344126-G-A.
Other names: short protein forms R621Q.
Identifiers: ClinVar variation 225253 (VCV000225253.6), dbSNP rs1057519381, ClinGen allele CA16044154.